The following is an entry in ClinVar:

ClinVar aggregate classification (germline): Pathogenic (1 of 4 stars; one submission).

Conditions:
Deficiency of steroid 11-beta-monooxygenase (CYP11B1). Also called: ADRENAL HYPERPLASIA, CONGENITAL, DUE TO STEROID 11-BETA-HYDROXYLASE DEFICIENCY; 11-BETA-HYDROXYLASE DEFICIENCY; ADRENAL HYPERPLASIA IV; P450C11B1 DEFICIENCY; STEROID 11-BETA-HYDROXYLASE DEFICIENCY; Congenital adrenal hyperplasia due to 11-beta-hydroxylase deficiency. Identifiers: Orphanet 90795, MedGen C0268292, MONDO:0008729, OMIM 202010. Disease mechanism: loss of function.

Submission:

Myriad Genetics, Inc.
Classification: Pathogenic for Deficiency of steroid 11-beta-monooxygenase. Last evaluated: 2023-09-27. Review status: criteria provided, single submitter. Criteria: Myriad Autosomal Dominant, Autosomal Recessive and X-Linked Classification Criteria (2023). Collection method: clinical testing. Allele origin: unknown.
Comment: NM_000497.3(CYP11B1):c.746dupG(S249Rfs*10) is expected to be pathogenic in the context of congenital adrenal hyperplasia, CYP11B1-related. This variant is predicted to lead to an abnormal or absent protein product due to the creation of a premature termination codon in CYP11B1, a gene where loss-of-function variants are known to be pathogenic. Please note: this variant was assessed in the context of healthy population screening.

NM_000497.4(CYP11B1):c.746dup (p.Ser249fs)

Genes: CYP11B1 (cytochrome P450 family 11 subfamily B member 1; minus strand), LOC106799833 (CYP11B1 recombination region; plus strand). Cytogenetic location: 8q24.3.
Variant type: Duplication.
Coding change: c.746dup on transcript NM_000497.4 (MANE Select); coding-DNA position 746, one base duplicated (G; older notation c.746dupG).
Protein change: p.Ser249fs; shifts the reading frame from serine 249.
Molecular consequence: frameshift variant.
Genome position (GRCh38, 1-based): chr8:142,876,735, C duplicated on the plus strand (G on the coding strand, the reverse complement: CYP11B1 is on the minus strand). VCF-style (leftmost placement, unchanged base first): chr8-142876734-G-GC. GRCh37 (hg19) VCF-style: chr8-143958150-G-GC.
Other names: c.746dup, p.Ser249fs (NM_001026213.1); short protein forms S249fs.
Identifiers: ClinVar variation 5012178 (VCV005012178.1).